The following is an entry in ClinVar:

ClinVar aggregate classification (germline): Conflicting classifications of pathogenicity. Review status: criteria provided, conflicting classifications (1 of 4 stars). 6 submissions from 4 submitters: Uncertain significance (5); Benign (1). Last evaluated 2025-12-17.

Conditions:
Atypical hemolytic-uremic syndrome with C3 anomaly. Also called: AHUS, SUSCEPTIBILITY TO, 5. Identifiers: Orphanet 2134, MedGen C2752037, MONDO:0013043, OMIM 612925.
Age related macular degeneration 9. Identifiers: MedGen C1969651, MONDO:0012659, OMIM 611378.
Complement component 3 deficiency. Identifiers: Orphanet 280133, MedGen C3151071, MONDO:0013417, OMIM 613779.
C3 glomerulonephritis. Also called: C3 GLOMERULOPATHY 3; Nephropathy due to CFHR5 Deficiency. Identifiers: Orphanet 329931, MedGen C4055342, MONDO:0013892, OMIM 614809.
Atypical hemolytic-uremic syndrome. Identifiers: Orphanet 2134, MedGen C2931788, MONDO:0016244.

Allele frequency attached by ClinVar (database versions not stated): gnomAD 0.00017 and 0.00018; TOPMed 0.00022; gnomAD exomes 0.00026 and 0.00051; ExAC 0.00030; ESP Exome Variant Server 0.00046.
gnomAD v4.1: 789 of 1,613,988 alleles (0.049%); highest among the groups gnomAD compares: Non-Finnish European, 0.062%; no homozygotes.

Submissions (6):

Labcorp Genetics (formerly Invitae), Labcorp
Classification: Uncertain significance. Last evaluated: 2025-12-17. Review status: criteria provided, single submitter. Criteria: Invitae Variant Classification Sherloc (09022015). Collection method: clinical testing. Allele origin: germline.
Comment: This sequence change replaces aspartic acid, which is acidic and polar, with alanine, which is neutral and non-polar, at codon 1440 of the C3 protein (p.Asp1440Ala). This variant is present in population databases (rs147116781, gnomAD 0.05%). This variant has not been reported in the literature in individuals affected with C3-related conditions. ClinVar contains an entry for this variant (Variation ID: 330284). An algorithm developed to predict the effect of missense changes on protein structure and function (PolyPhen-2) suggests that this variant is likely to be tolerated. In summary, the available evidence is currently insufficient to determine the role of this variant in disease. Therefore, it has been classified as a Variant of Uncertain Significance.

Genomenon, Inc
Classification: Uncertain significance for Complement component 3 deficiency; C3 glomerulonephritis; Atypical hemolytic-uremic syndrome. Last evaluated: 2025-09-30. Review status: criteria provided, single submitter. Criteria: Genomenon Sequence Variant Interpretation Standards. Collection method: curation. Allele origin: germline. Affected: no.
Comment: C3 p.Asp1440Ala (c.4319A>C) is a missense variant that changes the amino acid at residue 1440 from Aspartic acid to Alanine. This variant has been reported in the published literature (PMID:30674459). It is absent or not present at a significant frequency in gnomAD. In silico models agree that this variant is not damaging. In conclusion, we classify C3 p.Asp1440Ala (c.4319A>C) as a variant of unknown significance.

Mayo Clinic Laboratories, Mayo Clinic
Classification: Uncertain significance. Last evaluated: 2022-09-09. Review status: criteria provided, single submitter. Criteria: ACMG Guidelines, 2015. Collection method: clinical testing. Allele origin: germline. Observed: 3 variant alleles.
Comment: BP4

Illumina Laboratory Services, Illumina
Classification: Benign for Atypical hemolytic-uremic syndrome with C3 anomaly. Last evaluated: 2018-01-12. Review status: criteria provided, single submitter. Criteria: ICSL Variant Classification Criteria 13 December 2019. Collection method: clinical testing. Allele origin: germline.
Comment: This variant was observed in the ICSL laboratory as part of a predisposition screen in an ostensibly healthy population. It had not been previously curated by ICSL or reported in the Human Gene Mutation Database (HGMD: prior to June 1st, 2018), and was therefore a candidate for classification through an automated scoring system. Utilizing variant allele frequency, disease prevalence and penetrance estimates, and inheritance mode, an automated score was calculated to assess if this variant is too frequent to cause the disease. Based on the score and internal cut-off values, a variant classified as benign is not then subjected to further curation. The score for this variant resulted in a classification of benign for this disease.

Illumina Laboratory Services, Illumina
Classification: Uncertain significance for Age related macular degeneration 9. Last evaluated: 2018-01-12. Review status: criteria provided, single submitter. Criteria: ICSL Variant Classification Criteria 13 December 2019. Collection method: clinical testing. Allele origin: germline.

Illumina Laboratory Services, Illumina
Classification: Uncertain significance for Complement component 3 deficiency. Last evaluated: 2018-01-12. Review status: criteria provided, single submitter. Criteria: ICSL Variant Classification Criteria 13 December 2019. Collection method: clinical testing. Allele origin: germline.

Literature cited by the submitters: PubMed 30674459 (cited by Genomenon, Inc).

NM_000064.4(C3):c.4319A>C (p.Asp1440Ala)

Gene: C3 (complement C3; minus strand). Cytogenetic location: 19p13.3.
Variant type: single nucleotide variant.
Coding change: c.4319A>C on transcript NM_000064.4 (MANE Select); coding-DNA position 4319, A replaced by C.
Protein change: p.Asp1440Ala; replaces aspartic acid 1440 with alanine.
Molecular consequence: missense variant.
Genome position (GRCh38, 1-based): chr19:6,681,972, T>G on the plus strand (A>C on the coding strand, the complement: C3 is on the minus strand). VCF-style: chr19-6681972-T-G. GRCh37 (hg19) VCF-style: chr19-6681983-T-G.
Other names: c.4319A>C (LRG_27t1); short protein forms D1440A.
Identifiers: ClinVar variation 330284 (VCV000330284.19), dbSNP rs147116781, ClinGen allele CA9128437.